The following is an entry in ClinVar:

ClinVar aggregate classification (germline): Pathogenic (1 of 4 stars; one submission).

Conditions:
Cerebral cavernous malformation 2. Also called: Familial Cerebral Cavernous Malformation 2. Identifiers: Orphanet 221061, MedGen C1864041, MONDO:0011304, OMIM 603284.

Submission:

Labcorp Genetics (formerly Invitae), Labcorp
Classification: Pathogenic for Cerebral cavernous malformation 2. Last evaluated: 2025-08-01. Review status: criteria provided, single submitter. Criteria: Invitae Variant Classification Sherloc (09022015). Collection method: clinical testing. Allele origin: germline.
Comment: This sequence change creates a premature translational stop signal (p.Ser174Profs*40) in the CCM2 gene. It is expected to result in an absent or disrupted protein product. Loss-of-function variants in CCM2 are known to be pathogenic (PMID: 18300272, 24689081). This variant is not present in population databases (gnomAD no frequency). This variant has not been reported in the literature in individuals affected with CCM2-related conditions. For these reasons, this variant has been classified as Pathogenic.

Literature cited by the submitters: PubMed 18300272; PubMed 24689081.

NM_031443.4(CCM2):c.520del (p.Ser174fs)

Gene: CCM2 (CCM2 scaffold protein; plus strand). Cytogenetic location: 7p13.
Variant type: Deletion.
Coding change: c.520del on transcript NM_031443.4 (MANE Select); coding-DNA position 520, one base deleted (T; older notation c.520delT).
Protein change: p.Ser174fs; shifts the reading frame from serine 174.
Molecular consequence: frameshift variant. On other transcripts: non-coding transcript variant (1), intron variant (1).
Genome position (GRCh38, 1-based): chr7:45,068,490, T deleted; the last of 2 consecutive T bases (chr7:45,068,489-45,068,490); deleting either gives the same sequence. VCF-style (leftmost placement, unchanged base first): chr7-45068488-GT-G. GRCh37 (hg19) VCF-style: chr7-45108087-GT-G.
Other names: c.583del, p.Ser195fs (NM_001029835.2); c.346del, p.Ser116fs (NM_001167934.2, NM_001363459.2); c.520del, p.Ser174fs (NM_001363458.2); c.472+3844del (NM_001167935.2); short protein forms S116fs, S195fs, S174fs.
Identifiers: ClinVar variation 4724602 (VCV004724602.1).